The following is an entry in ClinVar:

NM_018139.3(DNAAF2):c.736T>G (p.Leu246Val)

Gene: DNAAF2 (dynein axonemal assembly factor 2; minus strand). Cytogenetic location: 14q21.3.
Variant type: single nucleotide variant.
Coding change: c.736T>G on transcript NM_018139.3 (MANE Select); coding-DNA position 736, T replaced by G.
Protein change: p.Leu246Val; replaces leucine 246 with valine.
Molecular consequence: missense variant.
Genome position (GRCh38, 1-based): chr14:49,634,414, A>C on the plus strand (T>G on the coding strand, the complement: DNAAF2 is on the minus strand). VCF-style: chr14-49634414-A-C. GRCh37 (hg19) VCF-style: chr14-50101132-A-C.
Other names: c.736T>G, p.Leu246Val (NM_001083908.2); short protein forms L246V.
Identifiers: ClinVar variation 3083335 (VCV003083335.2), dbSNP rs751253892, ClinGen allele CA7173039.

ClinVar aggregate classification (germline): Uncertain significance (1 of 4 stars; one submission).

Conditions:
Primary ciliary dyskinesia. Also called: Ciliary dyskinesia. Identifiers: Orphanet 244, MedGen C0008780, MONDO:0016575, HP:0012265.

Allele frequency attached by ClinVar (database versions not stated): gnomAD 0.00001; ExAC 0.00002; TOPMed 0.00002.

Submission:

Ambry Genetics
Classification: Uncertain significance for Primary ciliary dyskinesia. Last evaluated: 2025-03-09. Review status: criteria provided, single submitter. Criteria: Ambry Variant Classification Scheme 2023. Collection method: clinical testing. Allele origin: germline.
Comment: The p.L246V variant (also known as c.736T>G), located in coding exon 1 of the DNAAF2 gene, results from a T to G substitution at nucleotide position 736. The leucine at codon 246 is replaced by valine, an amino acid with highly similar properties. This amino acid position is conserved. In addition, this alteration is predicted to be tolerated by in silico analysis. Based on the available evidence, the clinical significance of this variant remains unclear.